The following is an entry in ClinVar:

ClinVar aggregate classification (germline): Uncertain significance (1 of 4 stars; one submission).

Submission:

GeneDx
Classification: Uncertain significance. Last evaluated: 2024-09-18. Review status: criteria provided, single submitter. Criteria: GeneDx Variant Classification Process June 2021. Collection method: clinical testing. Allele origin: germline. Affected: yes.
Comment: Not observed at significant frequency in large population cohorts (gnomAD); In silico analysis indicates that this missense variant does not alter protein structure/function; Has not been previously published as pathogenic or benign to our knowledge

NM_006421.5(ARFGEF1):c.4676A>G (p.Glu1559Gly)

Gene: ARFGEF1 (ARF guanine nucleotide exchange factor 1; minus strand). Cytogenetic location: 8q13.2.
Variant type: single nucleotide variant.
Coding change: c.4676A>G on transcript NM_006421.5 (MANE Select); coding-DNA position 4676, A replaced by G.
Protein change: p.Glu1559Gly; replaces glutamic acid 1559 with glycine.
Molecular consequence: missense variant. On other transcripts: non-coding transcript variant (1), intron variant (5).
Genome position (GRCh38, 1-based): chr8:67,216,600, T>C on the plus strand (A>G on the coding strand, the complement: ARFGEF1 is on the minus strand). VCF-style: chr8-67216600-T-C. GRCh37 (hg19) VCF-style: chr8-68128835-T-C.
Other names: c.4676A>G, p.Glu1559Gly (NM_001413184.1, NM_001413187.1, NM_001413191.1 and 1 more transcripts); c.4076A>G, p.Glu1359Gly (NM_001413188.1, NM_001413197.1); c.4670A>G, p.Glu1557Gly (NM_001413190.1); c.3251A>G, p.Glu1084Gly (NM_001413196.1); c.4668+8A>G (NM_001413186.1, NM_001413185.1, NM_001413192.1 and 1 more transcripts); c.4068+8A>G (NM_001413193.1); short protein forms E1084G, E1359G, E1557G, E1559G.
Identifiers: ClinVar variation 3774154 (VCV003774154.1).